The following is an entry in ClinVar:

ClinVar aggregate classification (germline): Uncertain significance. Review status: criteria provided, multiple submitters, no conflicts (2 of 4 stars). 2 submissions from 2 submitters: Uncertain significance (2). Last evaluated 2026-03-09.

Conditions:
Inborn genetic diseases. Identifiers: MedGen C0950123, MeSH D030342.

Allele frequency attached by ClinVar (database versions not stated): ExAC 0.00003; TOPMed 0.00005; gnomAD 0.00006; gnomAD exomes 0.00011.
gnomAD v4.1: 167 of 1,614,024 alleles (0.01%); highest among the groups gnomAD compares: Non-Finnish European, 0.014%; no homozygotes.

Submissions (2):

Women's Health and Genetics/Laboratory Corporation of America, LabCorp
Classification: Uncertain significance. Last evaluated: 2026-03-09. Review status: criteria provided, single submitter. Criteria: LabCorp Variant Classification Summary - May 2015. Collection method: clinical testing. Allele origin: germline.
Comment: Variant summary: POU1F1 c.778G>A (p.Val260Ile) results in a conservative amino acid change in the encoded protein sequence. Algorithms developed to predict the effect of missense changes on protein structure and function are either unavailable or do not agree on the potential impact of this missense change. The variant allele was found at a frequency of 2.4e-05 in 251092 control chromosomes. The available data on variant occurrences in the general population are insufficient to allow any conclusion about variant significance. To our knowledge, no occurrence of c.778G>A in individuals affected with POU1F1-related conditions and no experimental evidence demonstrating its impact on protein function have been reported. ClinVar contains an entry for this variant (Variation ID: 3216881). Based on the evidence outlined above, the variant was classified as uncertain significance.

Ambry Genetics
Classification: Uncertain significance for Inborn genetic diseases. Last evaluated: 2024-01-17. Review status: criteria provided, single submitter. Criteria: Ambry Variant Classification Scheme 2023. Collection method: clinical testing. Allele origin: germline.

NM_000306.4(POU1F1):c.778G>A (p.Val260Ile)

Gene: POU1F1 (POU class 1 homeobox 1; minus strand). Cytogenetic location: 3p11.2.
Variant type: single nucleotide variant.
Coding change: c.778G>A on transcript NM_000306.4 (MANE Select); coding-DNA position 778, G replaced by A.
Protein change: p.Val260Ile; replaces valine 260 with isoleucine.
Molecular consequence: missense variant.
Genome position (GRCh38, 1-based): chr3:87,259,992, C>T on the plus strand (G>A on the coding strand, the complement: POU1F1 is on the minus strand). VCF-style: chr3-87259992-C-T. GRCh37 (hg19) VCF-style: chr3-87309142-C-T.
Other names: c.856G>A, p.Val286Ile (NM_001122757.3); short protein forms V260I, V286I.
Identifiers: ClinVar variation 3216881 (VCV003216881.2), dbSNP rs773224032, ClinGen allele CA2501078.